The following is an entry in ClinVar:

NM_032043.3(BRIP1):c.1917T>C (p.His639=)

Gene: BRIP1 (BRCA1 interacting DNA helicase 1; minus strand). Cytogenetic location: 17q23.2.
Variant type: single nucleotide variant.
Coding change: c.1917T>C on transcript NM_032043.3 (MANE Select); coding-DNA position 1917, T replaced by C.
Protein change: p.His639=; no amino-acid change (histidine 639 retained).
Molecular consequence: synonymous variant.
Genome position (GRCh38, 1-based): chr17:61,780,279, A>G on the plus strand (T>C on the coding strand, the complement: BRIP1 is on the minus strand). VCF-style: chr17-61780279-A-G. GRCh37 (hg19) VCF-style: chr17-59857640-A-G.
Identifiers: ClinVar variation 820339 (VCV000820339.11), dbSNP rs763534423, ClinGen allele CA292281885.

ClinVar aggregate classification (germline): Conflicting classifications of pathogenicity. Review status: criteria provided, conflicting classifications (1 of 4 stars). 4 submissions from 4 submitters: Uncertain significance (1); Benign (1); Likely benign (2). Last evaluated 2025-10-07.

Conditions:
Familial cancer of breast. Also called: Hereditary breast cancer; hereditary breast carcinoma; BREAST CANCER, FAMILIAL. Identifiers: Orphanet 227535, MedGen C0346153, MONDO:0016419, OMIM 114480. Disease mechanism: loss of function.
Fanconi anemia complementation group J. Also called: BRIP1-Related Fanconi Anemia. Identifiers: Orphanet 84, MedGen C1836860, MONDO:0012187, OMIM 609054.
Hereditary cancer-predisposing syndrome. Also called: Hereditary Cancer Syndrome; Neoplastic Syndromes, Hereditary; Hereditary neoplastic syndrome; Tumor predisposition. Identifiers: Orphanet 140162, MedGen C0027672, MeSH D009386, MONDO:0015356.

Submissions (4):

Labcorp Genetics (formerly Invitae), Labcorp
Classification: Likely benign for Familial cancer of breast; Fanconi anemia complementation group J. Last evaluated: 2025-10-07. Review status: criteria provided, single submitter. Criteria: Invitae Variant Classification Sherloc (09022015). Collection method: clinical testing. Allele origin: germline.

Myriad Genetics, Inc.
Classification: Benign for Familial cancer of breast. Last evaluated: 2024-08-30. Review status: criteria provided, single submitter. Criteria: Myriad Autosomal Dominant, Autosomal Recessive and X-Linked Classification Criteria (2023). Collection method: clinical testing. Allele origin: unknown.
Comment: This variant is considered benign. This variant is a silent/synonymous amino acid change and it is not expected to impact splicing.

Sema4
Classification: Uncertain significance for Hereditary cancer-predisposing syndrome. Last evaluated: 2021-08-11. Review status: criteria provided, single submitter. Criteria: Sema4 Curation Guidelines. Collection method: curation. Allele origin: germline.
Comment: The BRIP1 c.1917T>C (p.H639=) variant has not been reported in the literature to our knowledge. It was not observed in the large and broad cohorts of the Genome Aggregation Database (PMID: 32461654). The variant has been reported in ClinVar (Variation ID 820339). The affected nucleotide is weakly conserved, and computational analyses do not provide strong support for or against an impact to the mRNA splicing, though these predictions have not been confirmed by functional studies. The evidence is insufficient to meet ACMG/AMP criteria for classifying the variant as benign or pathogenic. Thus, the clinical significance of this variant is currently uncertain.

Ambry Genetics
Classification: Likely benign for Hereditary cancer-predisposing syndrome. Last evaluated: 2019-03-27. Review status: criteria provided, single submitter. Criteria: Ambry Variant Classification Scheme 2023. Collection method: clinical testing. Allele origin: germline.